The following is an entry in ClinVar:

NM_005055.5(RAPSN):c.1101C>T (p.Gly367=)

Gene: RAPSN (receptor associated protein of the synapse; minus strand). Cytogenetic location: 11p11.2.
Variant type: single nucleotide variant.
Coding change: c.1101C>T on transcript NM_005055.5 (MANE Select); coding-DNA position 1101, C replaced by T.
Protein change: p.Gly367=; no amino-acid change (glycine 367 retained).
Molecular consequence: synonymous variant. On other transcripts: nonsense (3), intron variant (3).
Genome position (GRCh38, 1-based): chr11:47,438,797, G>A on the plus strand (C>T on the coding strand, the complement: RAPSN is on the minus strand). VCF-style: chr11-47438797-G-A. GRCh37 (hg19) VCF-style: chr11-47460348-G-A.
Other names: c.1237C>T, p.Arg413Ter (NM_001440490.1); c.1186C>T, p.Arg396Ter (NM_001440491.1); c.1101C>T, p.Gly367= (NM_001440492.1); c.904C>T, p.Arg302Ter (NM_001440493.1); c.1047C>T, p.Gly349= (NM_001440495.1); c.978C>T, p.Gly326= (NM_001440497.1, NM_001440498.1); c.942C>T, p.Gly314= (NM_001440499.1); c.924C>T, p.Gly308= (NM_001440500.1, NM_032645.5); and 6 more; short protein forms R302*, R396*, R413*.
Identifiers: ClinVar variation 4857620 (VCV004857620.1).

ClinVar aggregate classification (germline): Uncertain significance (1 of 4 stars; one submission).

Conditions:
Congenital myasthenic syndrome 11. Also called: MYASTHENIC SYNDROME, CONGENITAL, Ie; Myasthenic syndrome, congenital, 11, associated with acetylcholine receptor deficiency. Identifiers: Orphanet 590, MedGen C4225367, MONDO:0014588, OMIM 616326.

gnomAD v4.1: 21 of 1,569,636 alleles (0.0013%); highest among the groups gnomAD compares: African/African-American, 0.013%; no homozygotes.

Submission:

Kasturba Medical College, Manipal, Kasturba Medical College, Manipal, Manipal Academy of Higher Education, Manipal, India
Classification: Uncertain significance for Congenital myasthenic syndrome 11. Last evaluated: 2026-06-23. Review status: criteria provided, single submitter. Criteria: ACMG Guidelines, 2015. Collection method: research. Allele origin: maternal. Inheritance: Autosomal recessive inheritance. Affected: yes. Observed: 1 variant allele, 1 heterozygote.
Comment: This variant is observed in heterozygous state in 21 individuals (allele frequency: 0.00001338) in the gnomAD (v4.1.0) population database. This variant is not observed in our in-house data of 4287 exomes.